The following is an entry in ClinVar:

ClinVar aggregate classification (germline): Uncertain significance (1 of 4 stars; one submission).

gnomAD v4.1: 11 of 1,587,426 alleles (0.00069%); highest among the groups gnomAD compares: Non-Finnish European, 0.00086%; no homozygotes.

Submission:

Women's Health and Genetics/Laboratory Corporation of America, LabCorp
Classification: Uncertain significance. Last evaluated: 2025-01-13. Review status: criteria provided, single submitter. Criteria: LabCorp Variant Classification Summary - May 2015. Collection method: clinical testing. Allele origin: germline.
Comment: Variant summary: DSE c.1118+7C>T alters a conserved nucleotide located close to a canonical splice site and therefore could affect mRNA splicing, leading to a significantly altered protein sequence. Consensus agreement among computation tools predict no significant impact on normal splicing. However, these predictions have yet to be confirmed by functional studies. The frequency data for this variant in gnomAD is considered unreliable, as metrics indicate poor data quality at this position. To our knowledge, no occurrence of c.1118+7C>T in individuals affected with Ehlers-Danlos syndrome, musculocontractural type 2 and no experimental evidence demonstrating its impact on protein function have been reported. No submitters have cited clinical-significance assessments for this variant to ClinVar. Based on the evidence outlined above, the variant was classified as uncertain significance.

NM_013352.4(DSE):c.1118+7C>T

Gene: DSE (dermatan sulfate epimerase; plus strand). Cytogenetic location: 6q22.1.
Variant type: single nucleotide variant.
Coding change: c.1118+7C>T on transcript NM_013352.4 (MANE Select); 7 bases into the intron after coding-DNA position 1118, C replaced by T.
Molecular consequence: intron variant.
Genome position (GRCh38, 1-based): chr6:116,433,557, C>T. VCF-style: chr6-116433557-C-T. GRCh37 (hg19) VCF-style: chr6-116754720-C-T.
Other names: c.119+7C>T (NM_001374520.1); c.1118+7C>T (NM_001322937.2, NM_001322938.2, NM_001080976.3); c.84-2030C>T (NM_001374521.1); c.557+7C>T (NM_001322940.2, NM_001322941.2); c.1175+7C>T (NM_001322939.2); c.911-2030C>T (NM_001322944.2); c.671-2030C>T (NM_001322943.2).
Identifiers: ClinVar variation 3769154 (VCV003769154.2).